The following is an entry in ClinVar:

NM_001369268.1(ACAN):c.7133C>A (p.Thr2378Asn)

Gene: ACAN (aggrecan; plus strand). Cytogenetic location: 15q26.1.
Variant type: single nucleotide variant.
Coding change: c.7133C>A on transcript NM_001369268.1 (MANE Select); coding-DNA position 7133, C replaced by A.
Protein change: p.Thr2378Asn; replaces threonine 2378 with asparagine.
Molecular consequence: missense variant.
Genome position (GRCh38, 1-based): chr15:88,871,454, C>A. VCF-style: chr15-88871454-C-A. GRCh37 (hg19) VCF-style: chr15-89414685-C-A.
Other names: c.6905C>A, p.Thr2302Asn (NM_001135.4, NM_001411096.1); c.7019C>A, p.Thr2340Asn (NM_001411097.1, NM_013227.4); short protein forms T2340N, T2302N, T2378N.
Identifiers: ClinVar variation 3660855 (VCV003660855.2).

ClinVar aggregate classification (germline): Uncertain significance (1 of 4 stars; one submission).

Submission:

Labcorp Genetics (formerly Invitae), Labcorp
Classification: Uncertain significance. Last evaluated: 2024-07-30. Review status: criteria provided, single submitter. Criteria: Invitae Variant Classification Sherloc (09022015). Collection method: clinical testing. Allele origin: germline.
Comment: This sequence change replaces threonine, which is neutral and polar, with asparagine, which is neutral and polar, at codon 2340 of the ACAN protein (p.Thr2340Asn). This variant is not present in population databases (gnomAD no frequency). This variant has not been reported in the literature in individuals affected with ACAN-related conditions. An algorithm developed to predict the effect of missense changes on protein structure and function outputs the following: PolyPhen-2: "Possibly Damaging". The asparagine amino acid residue is found in multiple mammalian species, which suggests that this missense change does not adversely affect protein function. In summary, the available evidence is currently insufficient to determine the role of this variant in disease. Therefore, it has been classified as a Variant of Uncertain Significance.